The following is an entry in ClinVar:

NM_004370.6(COL12A1):c.6946+7_6946+8delinsGA

Gene: COL12A1 (collagen type XII alpha 1 chain; minus strand). Cytogenetic location: 6q13.
Variant type: Indel.
Coding change: c.6946+7_6946+8delinsGA on transcript NM_004370.6 (MANE Select); bases 7 to 8 of the intron after coding-DNA position 6946, AC replaced by GA.
Molecular consequence: intron variant.
Genome position (GRCh38, 1-based): chr6:75,123,322-75,123,323, GT replaced by TC on the plus strand (AC replaced by GA on the coding strand, the reverse complement: COL12A1 is on the minus strand). VCF-style: chr6-75123322-GT-TC. GRCh37 (hg19) VCF-style: chr6-75833038-GT-TC.
Other names: c.3454+7_3454+8delinsGA (NM_080645.3).
Identifiers: ClinVar variation 1138036 (VCV001138036.10), dbSNP rs2149372484, ClinGen allele CA2499218532.

ClinVar aggregate classification (germline): Likely benign. Review status: criteria provided, multiple submitters, no conflicts (2 of 4 stars). 2 submissions from 2 submitters: Likely benign (2). Last evaluated 2026-01-16.

Conditions:
Ullrich congenital muscular dystrophy 2 (UCMD2). Identifiers: Orphanet 75840, MedGen C4225314, MONDO:0014654, OMIM 616470.
Bethlem myopathy 2 (BTHLM2). Identifiers: Orphanet 536516, Orphanet 610, MedGen C4225313, MONDO:0034022, OMIM 616471.

Submissions (2):

Women's Health and Genetics/Laboratory Corporation of America, LabCorp
Classification: Likely benign. Last evaluated: 2026-01-16. Review status: criteria provided, single submitter. Criteria: LabCorp Variant Classification Summary - May 2015. Collection method: clinical testing. Allele origin: germline.
Comment: Variant summary: COL12A1 c.6946+7_6946+8delinsGA alters a non-conserved nucleotide located at a position not widely known to affect splicing. Consensus agreement among computation tools predict no significant impact on normal splicing. However, these predictions have yet to be confirmed by functional studies. The variant allele was found at a frequency of 1.3e-05 in 238381 control chromosomes. The available data on variant occurrences in the general population are insufficient to allow any conclusion about variant significance. To our knowledge, no occurrence of c.6946+7_6946+8delinsGA in individuals affected with COL12A1-related conditions and no experimental evidence demonstrating its impact on protein function have been reported. ClinVar contains an entry for this variant (Variation ID: 1138036). Based on the evidence outlined above, the variant was classified as likely benign.

Labcorp Genetics (formerly Invitae), Labcorp
Classification: Likely benign for Bethlem myopathy 2; Ullrich congenital muscular dystrophy 2. Last evaluated: 2023-09-29. Review status: criteria provided, single submitter. Criteria: Invitae Variant Classification Sherloc (09022015). Collection method: clinical testing. Allele origin: germline.